The following is an entry in ClinVar:

NM_003072.5(SMARCA4):c.2823G>A (p.Gln941=)

Gene: SMARCA4 (SWI/SNF related BAF chromatin remodeling complex subunit ATPase 4; plus strand). Cytogenetic location: 19p13.2.
Variant type: single nucleotide variant.
Coding change: c.2823G>A on transcript NM_003072.5 (MANE Select); coding-DNA position 2823, G replaced by A.
Protein change: p.Gln941=; no amino-acid change (glutamine 941 retained).
Molecular consequence: synonymous variant. On other transcripts: non-coding transcript variant (1).
Genome position (GRCh38, 1-based): chr19:11,021,931, G>A. VCF-style: chr19-11021931-G-A. GRCh37 (hg19) VCF-style: chr19-11132607-G-A.
Other names: c.2823G>A, p.Gln941= (NM_001128844.3, NM_001128845.2, NM_001128846.2 and 4 more transcripts).
Identifiers: ClinVar variation 821859 (VCV000821859.14), dbSNP rs1600279486, ClinGen allele CA505743641.

ClinVar aggregate classification (germline): Benign/Likely benign. Review status: criteria provided, multiple submitters, no conflicts (2 of 4 stars). 3 submissions from 3 submitters: Benign (1); Likely benign (2). Last evaluated 2026-07-14.

Conditions:
Hereditary cancer-predisposing syndrome. Also called: Hereditary neoplastic syndrome; Neoplastic Syndromes, Hereditary; Tumor predisposition; Hereditary Cancer Syndrome. Identifiers: Orphanet 140162, MedGen C0027672, MeSH D009386, MONDO:0015356.
Rhabdoid tumor predisposition syndrome 2 (RTPS2). Identifiers: Orphanet 231108, Orphanet 69077, MedGen C2750074, MONDO:0013224, OMIM 613325.

Allele frequency attached by ClinVar (database versions not stated): gnomAD exomes 0.00001.
gnomAD v4.1: 5 of 1,613,172 alleles (0.00031%); highest among the groups gnomAD compares: Non-Finnish European, 0.00042%; no homozygotes.

Submissions (3):

Myriad Genetics, Inc.
Classification: Benign for Rhabdoid tumor predisposition syndrome 2. Last evaluated: 2026-07-14. Review status: criteria provided, single submitter. Criteria: Myriad Autosomal Dominant, Autosomal Recessive and X-Linked Classification Criteria (2023). Collection method: clinical testing. Allele origin: unknown.
Comment: This variant is considered benign. This variant is a silent/synonymous amino acid change and it is not expected to impact splicing.

Labcorp Genetics (formerly Invitae), Labcorp
Classification: Likely benign for Rhabdoid tumor predisposition syndrome 2. Last evaluated: 2025-07-31. Review status: criteria provided, single submitter. Criteria: Invitae Variant Classification Sherloc (09022015). Collection method: clinical testing. Allele origin: germline.

Ambry Genetics
Classification: Likely benign for Hereditary cancer-predisposing syndrome. Last evaluated: 2018-04-23. Review status: criteria provided, single submitter. Criteria: Ambry Variant Classification Scheme 2023. Collection method: clinical testing. Allele origin: germline.